The following is an entry in ClinVar:

ClinVar aggregate classification (germline): Uncertain significance (1 of 4 stars; one submission).

Conditions:
Bethlem myopathy 1A. Also called: Bethlem myopathy 1; Bethlem Muscular Dystrophy; MYOPATHY, BENIGN CONGENITAL, WITH CONTRACTURES. Identifiers: Orphanet 610, MedGen CN029274, MONDO:0024530, OMIM 158810.

Submission:

Labcorp Genetics (formerly Invitae), Labcorp
Classification: Uncertain significance for Bethlem myopathy 1A. Last evaluated: 2024-07-16. Review status: criteria provided, single submitter. Criteria: Invitae Variant Classification Sherloc (09022015). Collection method: clinical testing. Allele origin: germline.
Comment: This sequence change replaces alanine, which is neutral and non-polar, with valine, which is neutral and non-polar, at codon 2259 of the COL6A3 protein (p.Ala2259Val). This variant is not present in population databases (gnomAD no frequency). This variant has not been reported in the literature in individuals affected with COL6A3-related conditions. Advanced modeling of protein sequence and biophysical properties (such as structural, functional, and spatial information, amino acid conservation, physicochemical variation, residue mobility, and thermodynamic stability) performed at Invitae indicates that this missense variant is not expected to disrupt COL6A3 protein function with a negative predictive value of 80%. In summary, the available evidence is currently insufficient to determine the role of this variant in disease. Therefore, it has been classified as a Variant of Uncertain Significance.

NM_004369.4(COL6A3):c.6776C>T (p.Ala2259Val)

Gene: COL6A3 (collagen type VI alpha 3 chain; minus strand). Cytogenetic location: 2q37.3.
Variant type: single nucleotide variant.
Coding change: c.6776C>T on transcript NM_004369.4 (MANE Select); coding-DNA position 6776, C replaced by T.
Protein change: p.Ala2259Val; replaces alanine 2259 with valine.
Molecular consequence: missense variant.
Genome position (GRCh38, 1-based): chr2:237,351,170, G>A on the plus strand (C>T on the coding strand, the complement: COL6A3 is on the minus strand). VCF-style: chr2-237351170-G-A. GRCh37 (hg19) VCF-style: chr2-238259813-G-A.
Other names: c.4955C>T, p.Ala1652Val (NM_057166.5); c.6158C>T, p.Ala2053Val (NM_057167.4); short protein forms A2053V, A2259V, A1652V.
Identifiers: ClinVar variation 2770387 (VCV002770387.3), dbSNP rs747555430, ClinGen allele CA351210815.
Genomic context (GRCh38, chr2:237,351,170, plus strand): 5'-CTACCTTTCTAAAGACAAACCTTTCTTCCCAGTGGACCGGTTCTGCCTCGTTCTCCAGGA[G>A]CACCAGCGGCACCTCCGCTTCCCTGGAGCAGGAGGGGAGGAATGTGTCAGTGAAGTGGCC-3'
Protein context (NP_004360.2, residues 2249-2269): GPRGSGGAAG[Ala2259Val]PGERGRTGPL